The following is an entry in ClinVar:

NM_004698.4(PRPF3):c.145+6T>C

Gene: PRPF3 (pre-mRNA processing factor 3; plus strand). Cytogenetic location: 1q21.2.
Variant type: single nucleotide variant.
Coding change: c.145+6T>C on transcript NM_004698.4 (MANE Select); 6 bases into the intron after coding-DNA position 145, T replaced by C.
Molecular consequence: intron variant.
Genome position (GRCh38, 1-based): chr1:150,325,093, T>C. VCF-style: chr1-150325093-T-C. GRCh37 (hg19) VCF-style: chr1-150297551-T-C.
Other names: c.-357+6T>C (NM_001350529.1); c.145+6T>C (NM_004698.2).
Identifiers: ClinVar variation 1515163 (VCV001515163.7), dbSNP rs1363821930, ClinGen allele CA526044261.

ClinVar aggregate classification (germline): Conflicting classifications of pathogenicity. Review status: criteria provided, conflicting classifications (1 of 4 stars). 2 submissions from 2 submitters: Uncertain significance (1); Likely benign (1). Last evaluated 2025-06-12.

Conditions:
PRPF3-related disorder. Also called: PRPF3-related condition.

Allele frequency attached by ClinVar (database versions not stated): gnomAD exomes below 0.00001; gnomAD 0.00001; TOPMed 0.00001.
gnomAD v4.1: 5 of 1,612,334 alleles (0.00031%); highest among the groups gnomAD compares: Non-Finnish European, 0.00042%; no homozygotes.

Submissions (2):

Labcorp Genetics (formerly Invitae), Labcorp
Classification: Uncertain significance. Last evaluated: 2025-06-12. Review status: criteria provided, single submitter. Criteria: Invitae Variant Classification Sherloc (09022015). Collection method: clinical testing. Allele origin: germline.
Comment: This sequence change falls in intron 2 of the PRPF3 gene. It does not directly change the encoded amino acid sequence of the PRPF3 protein. It affects a nucleotide within the consensus splice site. This variant is present in population databases (no rsID available, gnomAD 0.0009%). This variant has not been reported in the literature in individuals affected with PRPF3-related conditions. ClinVar contains an entry for this variant (Variation ID: 1515163). Variants that disrupt the consensus splice site are a relatively common cause of aberrant splicing (PMID: 17576681, 9536098). Algorithms developed to predict the effect of sequence changes on RNA splicing suggest that this variant is not likely to affect RNA splicing. In summary, the available evidence is currently insufficient to determine the role of this variant in disease. Therefore, it has been classified as a Variant of Uncertain Significance.

PreventionGenetics, part of Exact Sciences
Classification: Likely benign for PRPF3-related condition. Last evaluated: 2025-02-10. Review status: criteria provided, single submitter. Criteria: ACMG Guidelines, 2015. Collection method: clinical testing. Allele origin: germline.
Comment: This variant is classified as likely benign based on ACMG/AMP sequence variant interpretation guidelines (Richards et al. 2015 PMID: 25741868, with internal and published modifications).

Literature cited by the submitters: PubMed 17576681 (cited by Labcorp Genetics (formerly Invitae), Labcorp); PubMed 9536098 (cited by Labcorp Genetics (formerly Invitae), Labcorp).